The following is an entry in ClinVar:

NM_001845.6(COL4A1):c.5G>A (p.Gly2Glu)

Genes: COL4A1 (collagen type IV alpha 1 chain; minus strand), COL4A2 (collagen type IV alpha 2 chain; plus strand). Cytogenetic location: 13q34.
Variant type: single nucleotide variant.
Coding change: c.5G>A on transcript NM_001845.6 (MANE Select); coding-DNA position 5, G replaced by A.
Protein change: p.Gly2Glu; replaces glycine 2 with glutamic acid.
Molecular consequence: missense variant.
Genome position (GRCh38, 1-based): chr13:110,307,023, C>T on the plus strand (G>A on the coding strand, the complement: COL4A1 is on the minus strand). VCF-style: chr13-110307023-C-T. GRCh37 (hg19) VCF-style: chr13-110959370-C-T.
Other names: c.5G>A, p.Gly2Glu (NM_001303110.2); short protein forms G2E.
Identifiers: ClinVar variation 1974218 (VCV001974218.6), dbSNP rs2501839055, ClinGen allele CA388732779.

ClinVar aggregate classification (germline): Uncertain significance. Review status: criteria provided, multiple submitters, no conflicts (2 of 4 stars). 2 submissions from 2 submitters: Uncertain significance (2). Last evaluated 2024-04-18.

Submissions (2):

GeneDx
Classification: Uncertain significance. Last evaluated: 2024-04-18. Review status: criteria provided, single submitter. Criteria: GeneDx Variant Classification Process June 2021. Collection method: clinical testing. Allele origin: germline. Affected: yes.
Comment: Not observed at significant frequency in large population cohorts (gnomAD); In silico analysis indicates that this missense variant does not alter protein structure/function; Has not been previously published as pathogenic or benign to our knowledge

Labcorp Genetics (formerly Invitae), Labcorp
Classification: Uncertain significance. Last evaluated: 2024-02-17. Review status: criteria provided, single submitter. Criteria: Invitae Variant Classification Sherloc (09022015). Collection method: clinical testing. Allele origin: germline.
Comment: This sequence change replaces glycine, which is neutral and non-polar, with glutamic acid, which is acidic and polar, at codon 2 of the COL4A1 protein (p.Gly2Glu). This variant is not present in population databases (gnomAD no frequency). This variant has not been reported in the literature in individuals affected with COL4A1-related conditions. ClinVar contains an entry for this variant (Variation ID: 1974218). Advanced modeling of protein sequence and biophysical properties (such as structural, functional, and spatial information, amino acid conservation, physicochemical variation, residue mobility, and thermodynamic stability) performed at Invitae indicates that this missense variant is not expected to disrupt COL4A1 protein function with a negative predictive value of 95%. In summary, the available evidence is currently insufficient to determine the role of this variant in disease. Therefore, it has been classified as a Variant of Uncertain Significance.